The following is an entry in ClinVar:

ClinVar aggregate classification (germline): Pathogenic (1 of 4 stars; one submission).

Submission:

Labcorp Genetics (formerly Invitae), Labcorp
Classification: Pathogenic. Last evaluated: 2021-01-19. Review status: criteria provided, single submitter. Criteria: Invitae Variant Classification Sherloc (09022015). Collection method: clinical testing. Allele origin: germline.
Comment: For these reasons, this variant has been classified as Pathogenic. This variant has not been reported in the literature in individuals with ASNS-related conditions. This variant is a gross deletion of the genomic region encompassing exon(s) 3 of the ASNS gene, which includes the initiator codon. The 5' end of this event is unknown as it extends beyond the assayed region for this gene and therefore may encompass additional genes. The 3' boundary is likely confined to intron 3 of the ASNS gene. It is expected to result in an absent or disrupted protein product. Loss-of-function variants in ASNS are known to be pathogenic (PMID: 27422383, 30057589).

Literature cited by the submitters: PubMed 27422383; PubMed 30057589.

NC_000007.13:g.(?_97498200)_(97498468_?)del

Gene: ASNS (asparagine synthetase (glutamine-hydrolyzing); minus strand). Cytogenetic location: 7q21.3.
Variant type: Deletion.
Identifiers: ClinVar variation 1457009 (VCV001457009.4).